The following is an entry in ClinVar:

ClinVar aggregate classification (germline): Uncertain significance (1 of 4 stars; one submission).

Conditions:
Arrhythmogenic right ventricular dysplasia 13. Also called: Arrhythmogenic right ventricular dysplasia, familial, 13; ARRHYTHMOGENIC RIGHT VENTRICULAR CARDIOMYOPATHY 13. Identifiers: MedGen C3810138, MONDO:0000908, OMIM 615616.

Submission:

Labcorp Genetics (formerly Invitae), Labcorp
Classification: Uncertain significance for Arrhythmogenic right ventricular dysplasia 13. Last evaluated: 2021-06-21. Review status: criteria provided, single submitter. Criteria: Invitae Variant Classification Sherloc (09022015). Collection method: clinical testing. Allele origin: germline.
Comment: This variant is an out-of-frame deletion of the genomic region encompassing exon(s) 3 of the CTNNA3 gene. This is expected to create a premature translational stop signal and result in an absent or disrupted protein product. This variant has not been reported in the literature in individuals with CTNNA3-related conditions. The current clinical and genetic evidence is not sufficient to establish whether loss-of-function variants in CTNNA3 cause disease. In summary, the available evidence is currently insufficient to determine the role of this variant in disease. Therefore, it has been classified as a Variant of Uncertain Significance.

NC_000010.10:g.(?_69366595)_(69366827_?)del

Gene: CTNNA3 (catenin alpha 3; minus strand). Cytogenetic location: 10q21.3.
Variant type: Deletion.
Identifiers: ClinVar variation 2425838 (VCV002425838.3).